The following is an entry in ClinVar:

ClinVar aggregate classification (germline): Uncertain significance (1 of 4 stars; one submission).

Submission:

GeneDx
Classification: Uncertain significance. Last evaluated: 2024-01-08. Review status: criteria provided, single submitter. Criteria: GeneDx Variant Classification Process June 2021. Collection method: clinical testing. Allele origin: germline. Affected: yes.
Comment: Not observed at significant frequency in large population cohorts (gnomAD); In silico analysis supports that this missense variant does not alter protein structure/function; Has not been previously published as pathogenic or benign to our knowledge

NM_181552.4(CUX1):c.283T>A (p.Leu95Met)

Genes: CUX1 (cut like homeobox 1; plus strand), LOC126860126 (P300/CBP strongly-dependent group 1 enhancer GRCh37_chr7:101740358-101741557; plus strand). Cytogenetic location: 7q22.1.
Variant type: single nucleotide variant.
Coding change: c.283T>A on transcript NM_181552.4 (MANE Select); coding-DNA position 283, T replaced by A.
Protein change: p.Leu95Met; replaces leucine 95 with methionine.
Molecular consequence: missense variant. On other transcripts: intron variant (1).
Genome position (GRCh38, 1-based): chr7:102,097,378, T>A. VCF-style: chr7-102097378-T-A. GRCh37 (hg19) VCF-style: chr7-101740658-T-A.
Other names: c.316T>A, p.Leu106Met (NM_001202543.2, NM_001913.5, NM_181500.4); c.268T>A, p.Leu90Met (NM_001202544.3); c.205T>A, p.Leu69Met (NM_001202546.3); c.302-6958T>A (NM_001202545.3); short protein forms L106M, L69M, L90M, L95M.
Identifiers: ClinVar variation 3367592 (VCV003367592.1).